The following is an entry in ClinVar:

ClinVar aggregate classification (germline): Conflicting classifications of pathogenicity. Review status: criteria provided, conflicting classifications (1 of 4 stars). 2 submissions from 2 submitters: Likely pathogenic (1); Uncertain significance (1). Last evaluated 2026-09-17.

Conditions:
Hemolytic uremic syndrome, atypical, susceptibility to, 1. Also called: AHUS, SUSCEPTIBILITY TO, 1. Identifiers: Orphanet 2134, Orphanet 90038, MedGen C2749604, MONDO:0009335, OMIM 235400. Disease mechanism: Other.
Atypical hemolytic-uremic syndrome. Identifiers: Orphanet 2134, MedGen C2931788, MONDO:0016244.

gnomAD v4.1: 2 of 1,579,462 alleles (0.00013%); highest among the groups gnomAD compares: Non-Finnish European, 0.00017%; no homozygotes.

Submissions (2):

Genomenon, Inc
Classification: Uncertain significance for Atypical hemolytic-uremic syndrome. Last evaluated: 2026-09-17. Review status: criteria provided, single submitter. Criteria: Genomenon Sequence Variant Interpretation Standards - Updated. Collection method: curation. Allele origin: germline. Affected: yes.
Comment: CFH p.Cys448Tyr (c.1343G>A) is a missense variant that changes the amino acid at codon 448 from cysteine to tyrosine. This variant has been observed in at least one proband affected with atypical hemolytic-uremic syndrome (PMID: 41601769; 26826462). Functional studies have been reported (PMID: 34189567; 26826462). It is absent or not present at a significant frequency in gnomAD. In conclusion, we classify CFH p.Cys448Tyr (c.1343G>A) as a variant of uncertain significance.

Research Laboratory - Department of Internal Medicine and Hematology, Semmelweis University
Classification: Likely pathogenic for Hemolytic uremic syndrome, atypical, susceptibility to, 1. Last evaluated: 2025-02-11. Review status: criteria provided, single submitter. Criteria: ACMG Guidelines, 2015. Collection method: clinical testing. Allele origin: germline. Affected: yes. Observed: 1 variant allele, 1 heterozygote.
Comment: Absent from controls. PMID: 26826462. Variation p.C448Y affects a conserved cysteine residue and disrupts one of the disulfide bonds characteristic for scr8 that probably affects proper folding of the protein and consequently may result in impaired secretion of the molecule similarly to a previously reported mutation of a conserved cysteine residue (Caprioli et al., 2001, Schmidt et al., 1999).

Literature cited by the submitters: PubMed 41601769 (cited by Genomenon, Inc); PubMed 26826462 (cited by Genomenon, Inc and Research Laboratory - Department of Internal Medicine and Hematology, Semmelweis University); PubMed 34189567 (cited by Genomenon, Inc and Research Laboratory - Department of Internal Medicine and Hematology, Semmelweis University); PubMed 10206995 (cited by Research Laboratory - Department of Internal Medicine and Hematology, Semmelweis University).

NM_000186.4(CFH):c.1343G>A (p.Cys448Tyr)

Gene: CFH (complement factor H; plus strand). Cytogenetic location: 1q31.3.
Variant type: single nucleotide variant.
Coding change: c.1343G>A on transcript NM_000186.4 (MANE Select); coding-DNA position 1343, G replaced by A.
Protein change: p.Cys448Tyr; replaces cysteine 448 with tyrosine.
Molecular consequence: missense variant.
Genome position (GRCh38, 1-based): chr1:196,713,741, G>A. VCF-style: chr1-196713741-G-A. GRCh37 (hg19) VCF-style: chr1-196682871-G-A.
Other names: C448Y.
Identifiers: ClinVar variation 3764645 (VCV003764645.4).